The following is an entry in ClinVar:

NM_004484.4(GPC3):c.648G>A (p.Met216Ile)

Gene: GPC3 (glypican 3; minus strand). Cytogenetic location: Xq26.2.
Variant type: single nucleotide variant.
Coding change: c.648G>A on transcript NM_004484.4 (MANE Select); coding-DNA position 648, G replaced by A.
Protein change: p.Met216Ile; replaces methionine 216 with isoleucine.
Molecular consequence: missense variant.
Genome position (GRCh38, 1-based): chrX:133,753,866, C>T on the plus strand (G>A on the coding strand, the complement: GPC3 is on the minus strand). VCF-style: chrX-133753866-C-T. GRCh37 (hg19) VCF-style: chrX-132887893-C-T.
Other names: c.648G>A, p.Met216Ile (NM_001164617.2); c.600G>A, p.Met200Ile (NM_001164618.2); c.486G>A, p.Met162Ile (NM_001164619.2); short protein forms M216I, M162I, M200I.
Identifiers: ClinVar variation 2770057 (VCV002770057.3), dbSNP rs752516966, ClinGen allele CA414706163.

ClinVar aggregate classification (germline): Uncertain significance (1 of 4 stars; one submission).

Conditions:
Wilms tumor 1 (WT1). Also called: Wilms tumor, somatic. Identifiers: Orphanet 654, MedGen CN033288, MONDO:0008679, OMIM 194070.

gnomAD v4.1: 1 of 1,211,613 alleles (0.000083%); highest among the groups gnomAD compares: Non-Finnish European, 0.00011%; no homozygotes.

Submission:

Labcorp Genetics (formerly Invitae), Labcorp
Classification: Uncertain significance for Wilms tumor 1. Last evaluated: 2023-10-19. Review status: criteria provided, single submitter. Criteria: Invitae Variant Classification Sherloc (09022015). Collection method: clinical testing. Allele origin: germline.
Comment: This sequence change replaces methionine, which is neutral and non-polar, with isoleucine, which is neutral and non-polar, at codon 216 of the GPC3 protein (p.Met216Ile). This variant is present in population databases (no rsID available, gnomAD 0.001%). This variant has not been reported in the literature in individuals affected with GPC3-related conditions. Advanced modeling of protein sequence and biophysical properties (such as structural, functional, and spatial information, amino acid conservation, physicochemical variation, residue mobility, and thermodynamic stability) performed at Invitae indicates that this missense variant is not expected to disrupt GPC3 protein function. In summary, the available evidence is currently insufficient to determine the role of this variant in disease. Therefore, it has been classified as a Variant of Uncertain Significance.